The following is an entry in ClinVar:

NM_001042413.2(GLIS3):c.120C>T (p.Pro40=)

Gene: GLIS3 (GLIS family zinc finger 3; minus strand). Cytogenetic location: 9p24.2.
Variant type: single nucleotide variant.
Coding change: c.120C>T on transcript NM_001042413.2 (MANE Select); coding-DNA position 120, C replaced by T.
Protein change: p.Pro40=; no amino-acid change (proline 40 retained).
Molecular consequence: synonymous variant. On other transcripts: 5 prime UTR variant (2), intron variant (3).
Genome position (GRCh38, 1-based): chr9:4,286,306, G>A on the plus strand (C>T on the coding strand, the complement: GLIS3 is on the minus strand). VCF-style: chr9-4286306-G-A. GRCh37 (hg19) VCF-style: chr9-4286306-G-A.
Other names: c.120C>T, p.Pro40= (NM_001438906.1, NM_001438907.1, NM_001438908.1 and 2 more transcripts); c.-339C>T (NM_001438911.1, NM_001438916.1); c.-71+13115C>T (NM_001438912.1); c.-78+13115C>T (NM_001438909.1, NM_001438915.1).
Identifiers: ClinVar variation 4988152 (VCV004988152.1).

ClinVar aggregate classification (germline): Likely benign (1 of 4 stars; one submission).

Conditions:
GLIS3-related disorder. Also called: GLIS3-related condition.

gnomAD v4.1: 74 of 1,614,098 alleles (0.0046%); highest among the groups gnomAD compares: Non-Finnish European, 0.0059%; no homozygotes.

Submission:

PreventionGenetics, part of Exact Sciences
Classification: Likely benign for GLIS3-related condition. Last evaluated: 2026-06-30. Review status: criteria provided, single submitter. Criteria: ACMG Guidelines, 2015. Collection method: clinical testing. Allele origin: germline.
Comment: This variant is classified as likely benign based on ACMG/AMP sequence variant interpretation guidelines (Richards et al. 2015 PMID: 25741868, with internal and published modifications).